The following is an entry in ClinVar:

NM_020297.4(ABCC9):c.2309T>G (p.Ile770Ser)

Gene: ABCC9 (ATP binding cassette subfamily C member 9; minus strand). Cytogenetic location: 12p12.1.
Variant type: single nucleotide variant.
Coding change: c.2309T>G on transcript NM_020297.4 (MANE Select); coding-DNA position 2309, T replaced by G.
Protein change: p.Ile770Ser; replaces isoleucine 770 with serine.
Molecular consequence: missense variant.
Genome position (GRCh38, 1-based): chr12:21,862,983, A>C on the plus strand (T>G on the coding strand, the complement: ABCC9 is on the minus strand). VCF-style: chr12-21862983-A-C. GRCh37 (hg19) VCF-style: chr12-22015917-A-C.
Other names: c.2309T>G, p.Ile770Ser (NM_001377273.1, NM_005691.4); c.1442T>G, p.Ile481Ser (NM_001377274.1); short protein forms I481S, I770S.
Identifiers: ClinVar variation 968033 (VCV000968033.9), dbSNP rs1945595914, ClinGen allele CA384129793.

ClinVar aggregate classification (germline): Uncertain significance (1 of 4 stars; one submission).

Conditions:
Dilated cardiomyopathy 1O (CMD1O). Also called: CARDIOMYOPATHY, DILATED, WITH VENTRICULAR TACHYCARDIA. Identifiers: Orphanet 154, MedGen C1837839, MONDO:0012062, OMIM 608569.

Submission:

Labcorp Genetics (formerly Invitae), Labcorp
Classification: Uncertain significance for Dilated cardiomyopathy 1O. Last evaluated: 2024-04-17. Review status: criteria provided, single submitter. Criteria: Invitae Variant Classification Sherloc (09022015). Collection method: clinical testing. Allele origin: germline.
Comment: This sequence change replaces isoleucine, which is neutral and non-polar, with serine, which is neutral and polar, at codon 770 of the ABCC9 protein (p.Ile770Ser). This variant is not present in population databases (gnomAD no frequency). This variant has not been reported in the literature in individuals affected with ABCC9-related conditions. ClinVar contains an entry for this variant (Variation ID: 968033). Advanced modeling of protein sequence and biophysical properties (such as structural, functional, and spatial information, amino acid conservation, physicochemical variation, residue mobility, and thermodynamic stability) performed at Invitae indicates that this missense variant is expected to disrupt ABCC9 protein function with a positive predictive value of 95%. In summary, the available evidence is currently insufficient to determine the role of this variant in disease. Therefore, it has been classified as a Variant of Uncertain Significance.